The following is an entry in ClinVar:

NM_178452.6(DNAAF1):c.1285del (p.Val429fs)

Gene: DNAAF1 (dynein axonemal assembly factor 1; plus strand). Cytogenetic location: 16q24.1.
Variant type: Deletion.
Coding change: c.1285del on transcript NM_178452.6 (MANE Select); coding-DNA position 1285, one base deleted (G; older notation c.1285delG).
Protein change: p.Val429fs; shifts the reading frame from valine 429.
Molecular consequence: frameshift variant.
Genome position (GRCh38, 1-based): chr16:84,170,113, G deleted; the last of 2 consecutive G bases (chr16:84,170,112-84,170,113); deleting either gives the same sequence. VCF-style (leftmost placement, unchanged base first): chr16-84170111-AG-A. GRCh37 (hg19) VCF-style: chr16-84203717-AG-A.
Other names: c.577del, p.Val193fs (NM_001318756.1); c.1285delG (NM_178452.6); short protein forms V193fs, V429fs.
Identifiers: ClinVar variation 4850572 (VCV004850572.1).

ClinVar aggregate classification (germline): Likely pathogenic (1 of 4 stars; one submission).

Conditions:
Primary ciliary dyskinesia 13. Also called: CILIARY DYSKINESIA, PRIMARY, 13, WITH OR WITHOUT SITUS INVERSUS. Identifiers: Orphanet 244, MedGen C2750790, MONDO:0013174, OMIM 613193.

Submission:

First Genomix Gene Laboratory, Genetic Diagnostics Department
Classification: Likely pathogenic for Primary ciliary dyskinesia 13. Last evaluated: 2025-08-05. Review status: criteria provided, single submitter. Criteria: ACMG Guidelines, 2015. Collection method: clinical testing. Allele origin: germline. Inheritance: Autosomal recessive inheritance. Affected: no. Observed: 1 variant allele.